The following is an entry in ClinVar:

NM_000489.6(ATRX):c.2348G>C (p.Ser783Thr)

Gene: ATRX (ATRX chromatin remodeler; minus strand). Cytogenetic location: Xq21.1.
Variant type: single nucleotide variant.
Coding change: c.2348G>C on transcript NM_000489.6 (MANE Select); coding-DNA position 2348, G replaced by C.
Protein change: p.Ser783Thr; replaces serine 783 with threonine.
Molecular consequence: missense variant.
Genome position (GRCh38, 1-based): chrX:77,682,908, C>G on the plus strand (G>C on the coding strand, the complement: ATRX is on the minus strand). VCF-style: chrX-77682908-C-G. GRCh37 (hg19) VCF-style: chrX-76938400-C-G.
Other names: c.2234G>C, p.Ser745Thr (NM_138270.5); short protein forms S745T, S783T.
Identifiers: ClinVar variation 837832 (VCV000837832.12), dbSNP rs782530243, ClinGen allele CA10458096.
Genomic context (GRCh38, chrX:77,682,908, plus strand): 5'-ATTATAGAGCTCTTAGCTGATTTGCCCTTTTTAGTATCAAAATCTGAGCCAGATGTAGAA[C>G]TTTTTCGTTTCCTTTTTCCTTTATCATCTTTCCCCGCCTGAGTCTTTAAATCATACAAAG-3'
Protein context (NP_000480.3, residues 773-793): KDDKGKRKRK[Ser783Thr]STSGSDFDTK

ClinVar aggregate classification (germline): Conflicting classifications of pathogenicity. Review status: criteria provided, conflicting classifications (1 of 4 stars). 3 submissions from 3 submitters: Uncertain significance (1); Likely benign (1). 1 of the submissions does not count toward it. Last evaluated 2023-04-06.

Conditions:
Alpha thalassemia-X-linked intellectual disability syndrome (ATRX). Also called: ATR-X syndrome; Alpha thalassemia mental retardation syndrome, nondeletion type, X-linked; XLMR hypotonic face syndrome; ALPHA-THALASSEMIA/IMPAIRED INTELLECTUAL DEVELOPMENT SYNDROME, X-LINKED; ALPHA-THALASSEMIA/MENTAL RETARDATION SYNDROME, X-LINKED; ATR, NONDELETION TYPE. Identifiers: Orphanet 847, MedGen C1845055, MONDO:0010519, OMIM 301040.

Allele frequency attached by ClinVar (database versions not stated): ExAC 0.00002; gnomAD exomes 0.00001 and 0.00002.
gnomAD v4.1: 26 of 1,210,642 alleles (0.0021%); highest among the groups gnomAD compares: Non-Finnish European, 0.0027%; no homozygotes.

Submissions (3):

Labcorp Genetics (formerly Invitae), Labcorp
Classification: Likely benign for Alpha thalassemia-X-linked intellectual disability syndrome. Last evaluated: 2023-04-06. Review status: criteria provided, single submitter. Criteria: Invitae Variant Classification Sherloc (09022015). Collection method: clinical testing. Allele origin: germline.

Women's Health and Genetics/Laboratory Corporation of America, LabCorp
Classification: Uncertain significance. Last evaluated: 2022-04-17. Review status: criteria provided, single submitter. Criteria: LabCorp Variant Classification Summary - May 2015. Collection method: clinical testing. Allele origin: germline.
Comment: Variant summary: ATRX c.2348G>C (p.Ser783Thr) results in a conservative amino acid change in the encoded protein sequence. Five of five in-silico tools predict a benign effect of the variant on protein function. The variant allele was found at a frequency of 1.1e-05 in 182463 control chromosomes. The available data on variant occurrences in the general population are insufficient to allow any conclusion about variant significance. To our knowledge, no occurrence of c.2348G>C in individuals affected with ATR-X Syndrome and no experimental evidence demonstrating its impact on protein function have been reported. Two clinical diagnostic laboratories have submitted clinical-significance assessments for this variant to ClinVar after 2014 without evidence for independent evaluation. All laboratories classified the variant as uncertain significance. Based on the evidence outlined above, the variant was classified as uncertain significance.

Natera, Inc.
Classification: Uncertain significance for X-linked alpha-thalassemia-mental retardation syndrome. Last evaluated: 2020-09-16. Review status: no assertion criteria provided. Collection method: clinical testing. Allele origin: germline. Not counted in ClinVar's aggregate classification.